The following is an entry in ClinVar:

NM_003906.5(MCM3AP):c.4933C>T (p.Arg1645Trp)

Genes: MCM3AP (minichromosome maintenance complex component 3 associated protein; minus strand), MCM3AP-AS1 (MCM3AP antisense RNA 1; plus strand). Cytogenetic location: 21q22.3.
Variant type: single nucleotide variant.
Coding change: c.4933C>T on transcript NM_003906.5 (MANE Select); coding-DNA position 4933, C replaced by T.
Protein change: p.Arg1645Trp; replaces arginine 1645 with tryptophan.
Molecular consequence: missense variant.
Genome position (GRCh38, 1-based): chr21:46,244,912, G>A on the plus strand (C>T on the coding strand, the complement: MCM3AP is on the minus strand). VCF-style: chr21-46244912-G-A. GRCh37 (hg19) VCF-style: chr21-47664826-G-A.
Other names: short protein forms R1645W.
Identifiers: ClinVar variation 1433452 (VCV001433452.3), dbSNP rs780492435, ClinGen allele CA10075990.
Genomic context (GRCh38, chr21:46,244,912, plus strand): 5'-CAGCCTGCTTCAGCCAGGCCAGGTGCTCTGGGGCATTCCAGTGCAGGTGAGGAAGCAGCC[G>A]GCTGCCCCCTGCCTCAGCAAACTCAGTGACAGGCCAGGACAGGTCACACAGCTGTTCAGA-3'
Protein context (NP_003897.2, residues 1635-1655): VTEFAEAGGS[Arg1645Trp]LLPHLHWNAP

ClinVar aggregate classification (germline): Uncertain significance (1 of 4 stars; one submission).

Allele frequency attached by ClinVar (database versions not stated): ExAC 0.00002; gnomAD exomes 0.00002; gnomAD 0.00005 and 0.00006; TOPMed 0.00007.
gnomAD v4.1: 41 of 1,614,052 alleles (0.0025%); highest among the groups gnomAD compares: Middle Eastern, 0.016%; no homozygotes.

Submission:

Labcorp Genetics (formerly Invitae), Labcorp
Classification: Uncertain significance. Last evaluated: 2022-08-05. Review status: criteria provided, single submitter. Criteria: Invitae Variant Classification Sherloc (09022015). Collection method: clinical testing. Allele origin: germline.
Comment: This sequence change replaces arginine, which is basic and polar, with tryptophan, which is neutral and slightly polar, at codon 1645 of the MCM3AP protein (p.Arg1645Trp). This variant is present in population databases (rs780492435, gnomAD 0.01%). This variant has not been reported in the literature in individuals affected with MCM3AP-related conditions. ClinVar contains an entry for this variant (Variation ID: 1433452). Algorithms developed to predict the effect of missense changes on protein structure and function are either unavailable or do not agree on the potential impact of this missense change (SIFT: "Deleterious"; PolyPhen-2: "Benign"; Align-GVGD: "Class C0"). In summary, the available evidence is currently insufficient to determine the role of this variant in disease. Therefore, it has been classified as a Variant of Uncertain Significance.